The following is an entry in ClinVar:

NM_020436.5(SALL4):c.2831C>T (p.Thr944Met)

Gene: SALL4 (spalt like transcription factor 4; minus strand). Cytogenetic location: 20q13.2.
Variant type: single nucleotide variant.
Coding change: c.2831C>T on transcript NM_020436.5 (MANE Select); coding-DNA position 2831, C replaced by T.
Protein change: p.Thr944Met; replaces threonine 944 with methionine.
Molecular consequence: missense variant.
Genome position (GRCh38, 1-based): chr20:51,784,596, G>A on the plus strand (C>T on the coding strand, the complement: SALL4 is on the minus strand). VCF-style: chr20-51784596-G-A. GRCh37 (hg19) VCF-style: chr20-50401135-G-A.
Other names: c.1520C>T, p.Thr507Met (NM_001318031.2); short protein forms T507M, T944M.
Identifiers: ClinVar variation 3033985 (VCV003033985.2), dbSNP rs1425403096, ClinGen allele CA409006233.

ClinVar aggregate classification (germline): Uncertain significance (0 of 4 stars; one submission).

Conditions:
SALL4-Related Disorders. Also called: SALL4-related disorder; SALL4-related condition. Identifiers: MedGen CN381056.

Allele frequency attached by ClinVar (database versions not stated): gnomAD 0.00001; TOPMed 0.00002.
gnomAD v4.1: 5 of 1,614,018 alleles (0.00031%); highest among the groups gnomAD compares: African/African-American, 0.0013%; no homozygotes.

Submission:

PreventionGenetics, part of Exact Sciences
Classification: Uncertain significance for SALL4-related condition. Last evaluated: 2023-10-23. Review status: no assertion criteria provided. Collection method: clinical testing. Allele origin: germline.
Comment: The SALL4 c.2831C>T variant is predicted to result in the amino acid substitution p.Thr944Met. To our knowledge, this variant has not been reported in the literature. This variant is reported in 0.00088% of alleles in individuals of European (Non-Finnish) descent in gnomAD. At this time, the clinical significance of this variant is uncertain due to the absence of conclusive functional and genetic evidence.